The following is an entry in ClinVar:

ClinVar aggregate classification (germline): Pathogenic (1 of 4 stars; one submission).

Conditions:
Hereditary cancer-predisposing syndrome. Also called: Hereditary Cancer Syndrome; Hereditary neoplastic syndrome; Neoplastic Syndromes, Hereditary; Tumor predisposition. Identifiers: Orphanet 140162, MedGen C0027672, MeSH D009386, MONDO:0015356.

Submission:

Ambry Genetics
Classification: Pathogenic for Hereditary cancer-predisposing syndrome. Last evaluated: 2021-08-27. Review status: criteria provided, single submitter. Criteria: Ambry Variant Classification Scheme 2023. Collection method: clinical testing. Allele origin: germline.
Comment: The p.G209* pathogenic mutation (also known as c.625G>T), located in coding exon 6 of the PMS2 gene, results from a G to T substitution at nucleotide position 625. This changes the amino acid from a glycine to a stop codon within coding exon 6. This alteration is expected to result in loss of function by premature protein truncation or nonsense-mediated mRNA decay. As such, this alteration is interpreted as a disease-causing mutation.

NM_000535.7(PMS2):c.625G>T (p.Gly209Ter)

Gene: PMS2 (PMS1 homolog 2, mismatch repair system component; minus strand). Cytogenetic location: 7p22.1.
Variant type: single nucleotide variant.
Coding change: c.625G>T on transcript NM_000535.7 (MANE Select); coding-DNA position 625, G replaced by T.
Protein change: p.Gly209Ter; replaces glycine 209 with a stop codon.
Molecular consequence: nonsense. On other transcripts: 5 prime UTR variant (2), non-coding transcript variant (1), intron variant (1).
Genome position (GRCh38, 1-based): chr7:5,999,188, C>A on the plus strand (G>T on the coding strand, the complement: PMS2 is on the minus strand). VCF-style: chr7-5999188-C-A. GRCh37 (hg19) VCF-style: chr7-6038819-C-A.
Other names: c.220G>T, p.Gly74Ter (NM_001018040.1, NM_001322003.2, NM_001322004.2 and 20 more transcripts); c.625G>T, p.Gly209Ter (NM_001322006.2, NM_001322014.2, NM_001406870.1 and 4 more transcripts); c.307G>T, p.Gly103Ter (NM_001322007.2, NM_001322008.2, NM_001406876.1 and 4 more transcripts); c.-309G>T (NM_001322011.2, NM_001322012.2); c.316G>T, p.Gly106Ter (NM_001322015.2, NM_001406875.1, NM_001406877.1 and 6 more transcripts); c.811G>T, p.Gly271Ter (NM_001406866.1); c.649G>T, p.Gly217Ter (NM_001406868.1); c.289G>T, p.Gly97Ter (NM_001406885.1); and 1 more; short protein forms G209*, G217*, G97*, G106*, G74*, G103*, G271*.
Identifiers: ClinVar variation 1752494 (VCV001752494.2), dbSNP rs1784808075, ClinGen allele CA366743959.